The following is an entry in ClinVar:

NM_000038.6(APC):c.6665C>A (p.Pro2222His)

Gene: APC (APC regulator of Wnt signaling pathway; plus strand). Cytogenetic location: 5q22.2.
Variant type: single nucleotide variant.
Coding change: c.6665C>A on transcript NM_000038.6 (MANE Select); coding-DNA position 6665, C replaced by A.
Protein change: p.Pro2222His; replaces proline 2222 with histidine.
Molecular consequence: missense variant.
Genome position (GRCh38, 1-based): chr5:112,842,259, C>A. VCF-style: chr5-112842259-C-A. GRCh37 (hg19) VCF-style: chr5-112177956-C-A.
Other names: c.6665C>A, p.Pro2222His (NM_001127510.3, NM_001354895.2); c.6611C>A, p.Pro2204His (NM_001127511.3); c.6719C>A, p.Pro2240His (NM_001354896.2); c.6695C>A, p.Pro2232His (NM_001354897.2); c.6590C>A, p.Pro2197His (NM_001354898.2); c.6581C>A, p.Pro2194His (NM_001354899.2); c.6542C>A, p.Pro2181His (NM_001354900.2); c.6488C>A, p.Pro2163His (NM_001354901.2); and 5 more; short protein forms P2096H, P2163H, P2194H, P2197H, P2204H, P2222H, P2121H, P2181H.
Identifiers: ClinVar variation 1365412 (VCV001365412.10), dbSNP rs367761032, ClinGen allele CA16035911.

ClinVar aggregate classification (germline): Uncertain significance. Review status: criteria provided, multiple submitters, no conflicts (2 of 4 stars). 2 submissions from 2 submitters: Uncertain significance (2). Last evaluated 2025-06-24.

Conditions:
Hereditary cancer-predisposing syndrome. Also called: Neoplastic Syndromes, Hereditary; Tumor predisposition; Hereditary neoplastic syndrome; Hereditary Cancer Syndrome. Identifiers: Orphanet 140162, MedGen C0027672, MeSH D009386, MONDO:0015356.
Familial adenomatous polyposis 1 (FAP1). Also called: POLYPOSIS, ADENOMATOUS INTESTINAL; FAMILIAL ADENOMATOUS POLYPOSIS 1, ATTENUATED. Identifiers: MedGen C2713442, MONDO:0021056, OMIM 175100. Disease mechanism: loss of function.

gnomAD v4.1: 1 of 1,613,992 alleles (0.000062%); highest among the groups gnomAD compares: Middle Eastern, 0.016%; no homozygotes.

Submissions (2):

Labcorp Genetics (formerly Invitae), Labcorp
Classification: Uncertain significance for Familial adenomatous polyposis 1. Last evaluated: 2025-06-24. Review status: criteria provided, single submitter. Criteria: Invitae Variant Classification Sherloc (09022015). Collection method: clinical testing. Allele origin: germline.
Comment: This sequence change replaces proline, which is neutral and non-polar, with histidine, which is basic and polar, at codon 2222 of the APC protein (p.Pro2222His). This variant is not present in population databases (gnomAD no frequency). This missense change has been observed in individual(s) with breast cancer (PMID: 35070997). ClinVar contains an entry for this variant (Variation ID: 1365412). Invitae Evidence Modeling of protein sequence and biophysical properties (such as structural, functional, and spatial information, amino acid conservation, physicochemical variation, residue mobility, and thermodynamic stability) indicates that this missense variant is not expected to disrupt APC protein function with a negative predictive value of 95%. In summary, the available evidence is currently insufficient to determine the role of this variant in disease. Therefore, it has been classified as a Variant of Uncertain Significance.

Ambry Genetics
Classification: Uncertain significance for Hereditary cancer-predisposing syndrome. Last evaluated: 2023-03-22. Review status: criteria provided, single submitter. Criteria: Ambry Variant Classification Scheme 2023. Collection method: clinical testing. Allele origin: germline.
Comment: The p.P2222H variant (also known as c.6665C>A), located in coding exon 15 of the APC gene, results from a C to A substitution at nucleotide position 6665. The proline at codon 2222 is replaced by histidine, an amino acid with similar properties. This alteration was identified in an individual diagnosed with breast and/or ovarian cancer (Tran VT et al. Front Oncol, 2021 Jan;11:789659). This amino acid position is highly conserved in available vertebrate species. In addition, in silico predictors for this gene do not accurately predict pathogenicity. Since supporting evidence is limited at this time, the clinical significance of this alteration remains unclear.

Literature cited by the submitters: PubMed 35070997 (cited by Labcorp Genetics (formerly Invitae), Labcorp and Ambry Genetics).